The following is an entry in ClinVar:

ClinVar aggregate classification (germline): Uncertain significance (1 of 4 stars; one submission).

Conditions:
Cenani-Lenz syndactyly syndrome. Also called: SYNDACTYLY, TYPE VII; CENANI SYNDACTYLISM. Identifiers: Orphanet 3258, MedGen C1859309, MONDO:0008931, OMIM 212780.
Congenital myasthenic syndrome 17. Identifiers: Orphanet 590, MedGen C4225377, MONDO:0014578, OMIM 616304.
Sclerosteosis 2 (SOST2). Identifiers: Orphanet 3152, MedGen C3280402, MONDO:0013679, OMIM 614305.

gnomAD v4.1: 1 of 1,614,020 alleles (0.000062%); highest among the groups gnomAD compares: Admixed American, 0.0017%; no homozygotes.

Submission:

Labcorp Genetics (formerly Invitae), Labcorp
Classification: Uncertain significance for Cenani-Lenz syndactyly syndrome; Sclerosteosis 2; Congenital myasthenic syndrome 17. Last evaluated: 2022-07-05. Review status: criteria provided, single submitter. Criteria: Invitae Variant Classification Sherloc (09022015). Collection method: clinical testing. Allele origin: germline.
Comment: This sequence change replaces arginine, which is basic and polar, with leucine, which is neutral and non-polar, at codon 1838 of the LRP4 protein (p.Arg1838Leu). This variant is not present in population databases (gnomAD no frequency). This variant has not been reported in the literature in individuals affected with LRP4-related conditions. Algorithms developed to predict the effect of missense changes on protein structure and function are either unavailable or do not agree on the potential impact of this missense change (SIFT: "Deleterious"; PolyPhen-2: "Possibly Damaging"; Align-GVGD: "Class C0"). In summary, the available evidence is currently insufficient to determine the role of this variant in disease. Therefore, it has been classified as a Variant of Uncertain Significance.

NM_002334.4(LRP4):c.5513G>T (p.Arg1838Leu)

Genes: LRP4 (LDL receptor related protein 4; minus strand), LRP4-AS1 (LRP4 antisense RNA 1; plus strand). Cytogenetic location: 11p11.2.
Variant type: single nucleotide variant.
Coding change: c.5513G>T on transcript NM_002334.4 (MANE Select); coding-DNA position 5513, G replaced by T.
Protein change: p.Arg1838Leu; replaces arginine 1838 with leucine.
Molecular consequence: missense variant.
Genome position (GRCh38, 1-based): chr11:46,859,188, C>A on the plus strand (G>T on the coding strand, the complement: LRP4 is on the minus strand). VCF-style: chr11-46859188-C-A. GRCh37 (hg19) VCF-style: chr11-46880739-C-A.
Other names: short protein forms R1838L.
Identifiers: ClinVar variation 2001258 (VCV002001258.1), dbSNP rs770309253, ClinGen allele CA380284041.